The following is an entry in ClinVar:

NM_003482.4(KMT2D):c.4389C>T (p.Thr1463=)

Gene: KMT2D (lysine methyltransferase 2D; minus strand). Cytogenetic location: 12q13.12.
Variant type: single nucleotide variant.
Coding change: c.4389C>T on transcript NM_003482.4 (MANE Select); coding-DNA position 4389, C replaced by T.
Protein change: p.Thr1463=; no amino-acid change (threonine 1463 retained).
Molecular consequence: synonymous variant.
Genome position (GRCh38, 1-based): chr12:49,046,638, G>A on the plus strand (C>T on the coding strand, the complement: KMT2D is on the minus strand). VCF-style: chr12-49046638-G-A. GRCh37 (hg19) VCF-style: chr12-49440421-G-A.
Identifiers: ClinVar variation 286281 (VCV000286281.43), dbSNP rs372775501, ClinGen allele CA6547845.

ClinVar aggregate classification (germline): Conflicting classifications of pathogenicity. Review status: criteria provided, conflicting classifications (1 of 4 stars). 5 submissions from 5 submitters: Uncertain significance (1); Likely benign (4). Last evaluated 2025-12-01.

Conditions:
Kabuki syndrome 1 (KABUK1). Also called: KMT2D-Related Kabuki Syndrome. Identifiers: Orphanet 2322, MedGen CN030661, MONDO:0007843, OMIM 147920.
Choanal atresia-athelia-hypothyroidism-delayed puberty-short stature syndrome (BCAHH). Also called: BRANCHIAL ARCH ABNORMALITIES, CHOANAL ATRESIA, ATHELIA, HEARING LOSS, AND HYPOTHYROIDISM SYNDROME. Identifiers: Orphanet 589856, MedGen C5680310, MONDO:0035651, OMIM 620186.
Kabuki syndrome. Also called: Kabuki make-up syndrome; NIIKAWA-KUROKI SYNDROME. Identifiers: Orphanet 2322, MedGen C0796004, MONDO:0016512.

Allele frequency attached by ClinVar (database versions not stated): gnomAD 0.00011 and 0.00013; TOPMed 0.00011; ESP Exome Variant Server 0.00024.
gnomAD v4.1: 295 of 1,613,220 alleles (0.018%); highest among the groups gnomAD compares: Non-Finnish European, 0.024%; no homozygotes.

Submissions (5):

CeGaT Center for Human Genetics Tuebingen
Classification: Likely benign. Last evaluated: 2025-12-01. Review status: criteria provided, single submitter. Criteria: CeGaT Center For Human Genetics Tuebingen Variant Classification Criteria Version 2. Collection method: clinical testing. Allele origin: germline. Affected: yes. Observed: 3 variant alleles.
Comment: KMT2D: BP4, BP7

Labcorp Genetics (formerly Invitae), Labcorp
Classification: Likely benign for Kabuki syndrome. Last evaluated: 2025-06-02. Review status: criteria provided, single submitter. Criteria: Invitae Variant Classification Sherloc (09022015). Collection method: clinical testing. Allele origin: germline.

Fulgent Genetics
Classification: Uncertain significance for Kabuki syndrome 1; Choanal atresia-athelia-hypothyroidism-delayed puberty-short stature syndrome. Last evaluated: 2024-04-22. Review status: criteria provided, single submitter. Criteria: ACMG Guidelines, 2015. Collection method: clinical testing. Allele origin: germline.

Blueprint Genetics
Classification: Likely benign. Last evaluated: 2023-06-12. Review status: criteria provided, single submitter. Criteria: ACMG Guidelines, 2015. Collection method: clinical testing. Allele origin: germline.

Eurofins Ntd Llc (ga)
Classification: Likely benign. Last evaluated: 2016-02-09. Review status: criteria provided, single submitter. Criteria: EGL Classification Definitions 2015. Collection method: clinical testing. Allele origin: germline. Observed: 1 variant allele, 1 heterozygote.